The following is an entry in ClinVar:

NM_003482.4(KMT2D):c.15085A>C (p.Met5029Leu)

Gene: KMT2D (lysine methyltransferase 2D; minus strand). Cytogenetic location: 12q13.12.
Variant type: single nucleotide variant.
Coding change: c.15085A>C on transcript NM_003482.4 (MANE Select); coding-DNA position 15085, A replaced by C.
Protein change: p.Met5029Leu; replaces methionine 5029 with leucine.
Molecular consequence: missense variant.
Genome position (GRCh38, 1-based): chr12:49,026,881, T>G on the plus strand (A>C on the coding strand, the complement: KMT2D is on the minus strand). VCF-style: chr12-49026881-T-G. GRCh37 (hg19) VCF-style: chr12-49420664-T-G.
Other names: short protein forms M5029L.
Identifiers: ClinVar variation 2079937 (VCV002079937.5), dbSNP rs540734063, ClinGen allele CA6545602.

ClinVar aggregate classification (germline): Benign/Likely benign. Review status: criteria provided, multiple submitters, no conflicts (2 of 4 stars). 2 submissions from 2 submitters: Benign (1); Likely benign (1). Last evaluated 2026-08-24.

Conditions:
Kabuki syndrome. Also called: Kabuki make-up syndrome; NIIKAWA-KUROKI SYNDROME. Identifiers: Orphanet 2322, MedGen C0796004, MONDO:0016512.
KMT2D-related disorder. Also called: KMT2D-Related Disorders.

Allele frequency attached by ClinVar (database versions not stated): ExAC 0.00007; 1000 Genomes Project 30x 0.00094; 1000 Genomes Project 0.00120; TOPMed 0.00001; gnomAD exomes 0.00003 and 0.00004; gnomAD 0.00004.

Submissions (2):

PreventionGenetics, part of Exact Sciences
Classification: Likely benign for KMT2D-related condition. Last evaluated: 2026-08-24. Review status: criteria provided, single submitter. Criteria: ACMG Guidelines, 2015. Collection method: clinical testing. Allele origin: germline.
Comment: This variant is classified as likely benign based on ACMG/AMP sequence variant interpretation guidelines (Richards et al. 2015 PMID: 25741868, with internal and published modifications).

Labcorp Genetics (formerly Invitae), Labcorp
Classification: Benign for Kabuki syndrome. Last evaluated: 2025-07-30. Review status: criteria provided, single submitter. Criteria: Invitae Variant Classification Sherloc (09022015). Collection method: clinical testing. Allele origin: germline.